The following is an entry in ClinVar:

NM_004385.5(VCAN):c.10063+1G>A

Gene: VCAN (versican; plus strand). Cytogenetic location: 5q14.3.
Variant type: single nucleotide variant.
Coding change: c.10063+1G>A on transcript NM_004385.5 (MANE Select); the canonical splice donor site of the intron after coding-DNA position 10063, G replaced by A.
Molecular consequence: splice donor variant.
Genome position (GRCh38, 1-based): chr5:83,580,163, G>A. VCF-style: chr5-83580163-G-A. GRCh37 (hg19) VCF-style: chr5-82875982-G-A.
Other names: c.4801+1G>A (NM_001164098.2); c.7102+1G>A (NM_001164097.2); c.1840+1G>A (NM_001126336.3).
Identifiers: ClinVar variation 3774270 (VCV003774270.2).

ClinVar aggregate classification (germline): Uncertain significance (1 of 4 stars; one submission).

gnomAD v4.1: 1 of 1,614,036 alleles (0.000062%); highest among the groups gnomAD compares: East Asian, 0.0022%; no homozygotes.

Submission:

GeneDx
Classification: Uncertain significance. Last evaluated: 2025-08-11. Review status: criteria provided, single submitter. Criteria: GeneDx Variant Classification Process June 2021. Collection method: clinical testing. Allele origin: germline.
Comment: Not observed at significant frequency in large population cohorts (gnomAD); Canonical splice site variant with an unclear effect on protein function; Has not been previously published as pathogenic or benign to our knowledge